The following is an entry in ClinVar:

NM_017433.5(MYO3A):c.1941A>G (p.Gln647=)

Gene: MYO3A (myosin IIIA; plus strand). Cytogenetic location: 10p12.1.
Variant type: single nucleotide variant.
Coding change: c.1941A>G on transcript NM_017433.5 (MANE Select); coding-DNA position 1941, A replaced by G.
Protein change: p.Gln647=; no amino-acid change (glutamine 647 retained).
Molecular consequence: synonymous variant.
Genome position (GRCh38, 1-based): chr10:26,125,435, A>G. VCF-style: chr10-26125435-A-G. GRCh37 (hg19) VCF-style: chr10-26414364-A-G.
Identifiers: ClinVar variation 515585 (VCV000515585.10), dbSNP rs778345128, ClinGen allele CA5444827.

ClinVar aggregate classification (germline): Likely benign. Review status: criteria provided, multiple submitters, no conflicts (2 of 4 stars). 4 submissions from 4 submitters: Likely benign (3). 1 of the submissions does not count toward it. Last evaluated 2025-09-12.

Conditions:
MYO3A-related disorder. Also called: MYO3A-related condition.

Allele frequency attached by ClinVar (database versions not stated): ExAC 0.00007; gnomAD exomes 0.00016 and 0.00020; TOPMed 0.00022; gnomAD 0.00023.
gnomAD v4.1: 333 of 1,614,080 alleles (0.021%); highest among the groups gnomAD compares: Admixed American, 0.068%; 1 homozygote.

Submissions (4):

Labcorp Genetics (formerly Invitae), Labcorp
Classification: Likely benign. Last evaluated: 2025-09-12. Review status: criteria provided, single submitter. Criteria: Invitae Variant Classification Sherloc (09022015). Collection method: clinical testing. Allele origin: germline.

Blueprint Genetics
Classification: Likely benign. Last evaluated: 2024-09-25. Review status: criteria provided, single submitter. Criteria: ACMG Guidelines, 2015. Collection method: clinical testing. Allele origin: germline.

GeneDx
Classification: Likely benign. Last evaluated: 2018-02-19. Review status: criteria provided, single submitter. Criteria: GeneDx Variant Classification (06012015). Collection method: clinical testing. Allele origin: germline. Affected: yes.
Comment: This variant is considered likely benign or benign based on one or more of the following criteria: it is a conservative change, it occurs at a poorly conserved position in the protein, it is predicted to be benign by multiple in silico algorithms, and/or has population frequency not consistent with disease.

PreventionGenetics, part of Exact Sciences
Classification: Likely benign for MYO3A-related condition. Last evaluated: 2020-07-29. Review status: no assertion criteria provided. Collection method: clinical testing. Allele origin: germline. Not counted in ClinVar's aggregate classification.
Comment: This variant is classified as likely benign based on ACMG/AMP sequence variant interpretation guidelines (Richards et al. 2015 PMID: 25741868, with internal and published modifications).